The following is an entry in ClinVar:

ClinVar aggregate classification (germline): Uncertain significance (1 of 4 stars; one submission).

Allele frequency attached by ClinVar (database versions not stated): TOPMed below 0.00001.
gnomAD v4.1: 1 of 1,611,496 alleles (0.000062%); highest among the groups gnomAD compares: East Asian, 0.0022%; no homozygotes.

Submission:

Labcorp Genetics (formerly Invitae), Labcorp
Classification: Uncertain significance. Last evaluated: 2020-07-25. Review status: criteria provided, single submitter. Criteria: Invitae Variant Classification Sherloc (09022015). Collection method: clinical testing. Allele origin: germline.
Comment: In summary, the available evidence is currently insufficient to determine the role of this variant in disease. Therefore, it has been classified as a Variant of Uncertain Significance. Algorithms developed to predict the effect of missense changes on protein structure and function are either unavailable or do not agree on the potential impact of this missense change (SIFT: "Deleterious"; PolyPhen-2: "Benign"; Align-GVGD: "Class C0"). This variant has not been reported in the literature in individuals with RBP3-related conditions. This variant is not present in population databases (ExAC no frequency). This sequence change replaces methionine with threonine at codon 859 of the RBP3 protein (p.Met859Thr). The methionine residue is highly conserved and there is a moderate physicochemical difference between methionine and threonine.

NM_002900.3(RBP3):c.2576T>C (p.Met859Thr)

Gene: RBP3 (retinol binding protein 3; plus strand). Cytogenetic location: 10q11.22.
Variant type: single nucleotide variant.
Coding change: c.2576T>C on transcript NM_002900.3 (MANE Select); coding-DNA position 2576, T replaced by C.
Protein change: p.Met859Thr; replaces methionine 859 with threonine.
Molecular consequence: missense variant.
Genome position (GRCh38, 1-based): chr10:47,351,060, T>C. VCF-style: chr10-47351060-T-C. GRCh37 (hg19) VCF-style: chr10-48388302-A-G.
Other names: short protein forms M859T.
Identifiers: ClinVar variation 1016664 (VCV001016664.8), dbSNP rs1294630384, ClinGen allele CA376673433.
Genomic context (GRCh38, chr10:47,351,060, plus strand): 5'-ACCTCTACATCCTGATGAGCCACACCAGTGGCTCTGCGGCCGAGGCCTTTGCACACACCA[T>C]GCAGGACCTGCAGCGGGCCACGGTCATTGGGGAGCCCACGGCCGGAGGCGCACTCTCTGT-3'
Protein context (NP_002891.1, residues 849-869): GSAAEAFAHT[Met859Thr]QDLQRATVIG